The following is an entry in ClinVar:

ClinVar aggregate classification (germline): Conflicting classifications of pathogenicity. Review status: criteria provided, conflicting classifications (1 of 4 stars). 2 submissions from 2 submitters: Uncertain significance (1); Likely benign (1). Last evaluated 2026-07-08.

Conditions:
Inborn genetic diseases. Identifiers: MedGen C0950123, MeSH D030342.

Allele frequency attached by ClinVar (database versions not stated): gnomAD 0.00005 and 0.00006.
gnomAD v4.1: 13 of 1,598,386 alleles (0.00081%); highest among the groups gnomAD compares: African/African-American, 0.013%; no homozygotes.

Submissions (2):

Ambry Genetics
Classification: Likely benign for Inborn genetic diseases. Last evaluated: 2026-07-08. Review status: criteria provided, single submitter. Criteria: Ambry Variant Classification Scheme 2023. Collection method: clinical testing. Allele origin: germline.

Labcorp Genetics (formerly Invitae), Labcorp
Classification: Uncertain significance. Last evaluated: 2024-11-05. Review status: criteria provided, single submitter. Criteria: Invitae Variant Classification Sherloc (09022015). Collection method: clinical testing. Allele origin: germline.
Comment: This sequence change replaces proline, which is neutral and non-polar, with glutamine, which is neutral and polar, at codon 161 of the NKX2-1 protein (p.Pro161Gln). This variant is present in population databases (rs759307172, gnomAD 0.02%). This variant has not been reported in the literature in individuals affected with NKX2-1-related conditions. ClinVar contains an entry for this variant (Variation ID: 1420669). An algorithm developed to predict the effect of missense changes on protein structure and function (PolyPhen-2) suggests that this variant is likely to be disruptive. In summary, the available evidence is currently insufficient to determine the role of this variant in disease. Therefore, it has been classified as a Variant of Uncertain Significance.

NM_001079668.3(NKX2-1):c.482C>A (p.Pro161Gln)

Genes: SFTA3 (surfactant associated 3; minus strand), NKX2-1 (NK2 homeobox 1; minus strand). Cytogenetic location: 14q13.3.
Variant type: single nucleotide variant.
Coding change: c.482C>A on transcript NM_001079668.3 (MANE Select); coding-DNA position 482, C replaced by A.
Protein change: p.Pro161Gln; replaces proline 161 with glutamine.
Molecular consequence: missense variant.
Genome position (GRCh38, 1-based): chr14:36,518,002, G>T on the plus strand (C>A on the coding strand, the complement: NKX2-1 is on the minus strand). VCF-style: chr14-36518002-G-T. GRCh37 (hg19) VCF-style: chr14-36987207-G-T.
Other names: c.392C>A, p.Pro131Gln (NM_003317.4); c.392C>A (NM_003317.3); short protein forms P131Q, P161Q.
Identifiers: ClinVar variation 1420669 (VCV001420669.9), dbSNP rs759307172, ClinGen allele CA7158493.